The following is an entry in ClinVar:

NM_004247.4(EFTUD2):c.872T>C (p.Met291Thr)

Gene: EFTUD2 (elongation factor Tu GTP binding domain containing 2; minus strand). Cytogenetic location: 17q21.31.
Variant type: single nucleotide variant.
Coding change: c.872T>C on transcript NM_004247.4 (MANE Select); coding-DNA position 872, T replaced by C.
Protein change: p.Met291Thr; replaces methionine 291 with threonine.
Molecular consequence: missense variant.
Genome position (GRCh38, 1-based): chr17:44,872,568, A>G on the plus strand (T>C on the coding strand, the complement: EFTUD2 is on the minus strand). VCF-style: chr17-44872568-A-G. GRCh37 (hg19) VCF-style: chr17-42949936-A-G.
Other names: c.767T>C, p.Met256Thr (NM_001142605.2); c.872T>C, p.Met291Thr (NM_001258353.2); c.842T>C, p.Met281Thr (NM_001258354.2); short protein forms M256T, M281T, M291T.
Identifiers: ClinVar variation 2799018 (VCV002799018.3), dbSNP rs778831079, ClinGen allele CA8607953.

ClinVar aggregate classification (germline): Uncertain significance (1 of 4 stars; one submission).

Allele frequency attached by ClinVar (database versions not stated): ExAC 0.00001; gnomAD 0.00001.
gnomAD v4.1: 2 of 1,607,626 alleles (0.00012%); highest among the groups gnomAD compares: Admixed American, 0.0034%; no homozygotes.

Submission:

Labcorp Genetics (formerly Invitae), Labcorp
Classification: Uncertain significance. Last evaluated: 2024-11-04. Review status: criteria provided, single submitter. Criteria: Invitae Variant Classification Sherloc (09022015). Collection method: clinical testing. Allele origin: germline.
Comment: This sequence change replaces methionine, which is neutral and non-polar, with threonine, which is neutral and polar, at codon 291 of the EFTUD2 protein (p.Met291Thr). This variant is present in population databases (rs778831079, gnomAD 0.009%). This variant has not been reported in the literature in individuals affected with EFTUD2-related conditions. ClinVar contains an entry for this variant (Variation ID: 2799018). An algorithm developed to predict the effect of missense changes on protein structure and function (PolyPhen-2) suggests that this variant is likely to be tolerated. In summary, the available evidence is currently insufficient to determine the role of this variant in disease. Therefore, it has been classified as a Variant of Uncertain Significance.